The following is an entry in ClinVar:

NM_001768.7(CD8A):c.494G>T (p.Arg165Leu)

Gene: CD8A (CD8 subunit alpha; minus strand). Cytogenetic location: 2p11.2.
Variant type: single nucleotide variant.
Coding change: c.494G>T on transcript NM_001768.7 (MANE Select); coding-DNA position 494, G replaced by T.
Protein change: p.Arg165Leu; replaces arginine 165 with leucine.
Molecular consequence: missense variant. On other transcripts: non-coding transcript variant (3).
Genome position (GRCh38, 1-based): chr2:86,789,660, C>A on the plus strand (G>T on the coding strand, the complement: CD8A is on the minus strand). VCF-style: chr2-86789660-C-A. GRCh37 (hg19) VCF-style: chr2-87016783-C-A.
Other names: c.494G>T, p.Arg165Leu (NM_001145873.1, NM_001382698.1, NM_171827.4); short protein forms R165L.
Identifiers: ClinVar variation 1381319 (VCV001381319.8), dbSNP rs924437954, ClinGen allele CA51407242.

ClinVar aggregate classification (germline): Uncertain significance. Review status: criteria provided, multiple submitters, no conflicts (2 of 4 stars). 2 submissions from 2 submitters: Uncertain significance (2). Last evaluated 2021-03-12.

Conditions:
Susceptibility to respiratory infections associated with CD8alpha chain mutation (IMD116). Also called: Cd8 deficiency, familial; IMMUNODEFICIENCY 116. Identifiers: Orphanet 169085, MedGen C1837065, MONDO:0012161, OMIM 608957.

Allele frequency attached by ClinVar (database versions not stated): gnomAD exomes 0.00001.
gnomAD v4.1: 5 of 1,482,346 alleles (0.00034%); highest among the groups gnomAD compares: Admixed American, 0.0047%; no homozygotes.

Submissions (2):

Labcorp Genetics (formerly Invitae), Labcorp
Classification: Uncertain significance for Susceptibility to respiratory infections associated with CD8alpha chain mutation. Last evaluated: 2021-03-12. Review status: criteria provided, single submitter. Criteria: Invitae Variant Classification Sherloc (09022015). Collection method: clinical testing. Allele origin: germline.
Comment: This sequence change replaces arginine with leucine at codon 165 of the CD8A protein (p.Arg165Leu). The arginine residue is highly conserved and there is a moderate physicochemical difference between arginine and leucine. The frequency data for this variant in the population databases is considered unreliable, as metrics indicate insufficient coverage at this position in the ExAC database. This variant has not been reported in the literature in individuals with CD8A-related conditions. Algorithms developed to predict the effect of missense changes on protein structure and function are either unavailable or do not agree on the potential impact of this missense change (SIFT: "Deleterious"; PolyPhen-2: "Possibly Damaging"; Align-GVGD: "Class C15"). In summary, the available evidence is currently insufficient to determine the role of this variant in disease. Therefore, it has been classified as a Variant of Uncertain Significance.

Blueprint Genetics
Classification: Uncertain significance. Last evaluated: 2019-04-15. Review status: criteria provided, single submitter. Criteria: ACMG Guidelines, 2015. Collection method: clinical testing. Allele origin: germline.